The following is an entry in ClinVar:

NM_153704.6(TMEM67):c.1083_1084del (p.Glu361fs)

Gene: TMEM67 (transmembrane protein 67; plus strand). Cytogenetic location: 8q22.1.
Variant type: Microsatellite.
Coding change: c.1083_1084del on transcript NM_153704.6 (MANE Select); coding-DNA positions 1083 to 1084, 2 bases deleted (GA; older notation c.1083_1084delGA).
Protein change: p.Glu361fs; shifts the reading frame from glutamic acid 361.
Molecular consequence: frameshift variant. On other transcripts: non-coding transcript variant (1).
Genome position (GRCh38, 1-based): chr8:93,782,412-93,782,413, GA deleted; deleting any 2 consecutive bases within chr8:93,782,409-93,782,413 gives the same sequence; the c. name uses the placement nearest the transcript's 3' end. VCF-style (leftmost placement, unchanged base first): chr8-93782408-CAG-C. GRCh37 (hg19) VCF-style: chr8-94794636-CAG-C.
Other names: c.1083_1084delGA (NM_153704.5); c.1081_1082GA[1], p.Glu361Aspfs (NM_153704.5); c.840_841del, p.Glu280fs (NM_001142301.1); short protein forms E280fs, E361fs.
Identifiers: ClinVar variation 2634994 (VCV002634994.2), dbSNP rs758283688, ClinGen allele CA4807873.

ClinVar aggregate classification (germline): Likely pathogenic (1 of 4 stars; one submission).

Conditions:
TMEM67-related disorder. Also called: TMEM67-related condition; TMEM67-related disorders. Identifiers: MedGen CN239423.

Submission:

PreventionGenetics, part of Exact Sciences
Classification: Likely pathogenic for TMEM67-related condition. Last evaluated: 2026-03-06. Review status: criteria provided, single submitter. Criteria: ACMG Guidelines, 2015. Collection method: clinical testing. Allele origin: germline.
Comment: The TMEM67 c.1083_1084delGA variant is predicted to result in a frameshift and premature protein termination (p.Glu361Aspfs*18). To our knowledge, this variant has not been reported in the literature. This variant is reported in 0.00088% of alleles in individuals of European (Non-Finnish) descent in gnomAD. Frameshift variants in TMEM67 are expected to be pathogenic. This variant is interpreted as likely pathogenic.